The following is an entry in ClinVar:

NM_015231.3(NUP160):c.1645del (p.Glu549fs)

Gene: NUP160 (nucleoporin 160; minus strand). Cytogenetic location: 11p11.2.
Variant type: Deletion.
Coding change: c.1645del on transcript NM_015231.3 (MANE Select); coding-DNA position 1645, one base deleted (G; older notation c.1645delG).
Protein change: p.Glu549fs; shifts the reading frame from glutamic acid 549.
Molecular consequence: frameshift variant. On other transcripts: non-coding transcript variant (1).
Genome position (GRCh38, 1-based): chr11:47,813,355, C deleted on the plus strand (G on the coding strand, the reverse complement: NUP160 is on the minus strand). VCF-style (leftmost placement, unchanged base first): chr11-47813354-TC-T. GRCh37 (hg19) VCF-style: chr11-47834906-TC-T.
Other names: short protein forms E549fs.
Identifiers: ClinVar variation 4804590 (VCV004804590.1).

ClinVar aggregate classification (germline): Pathogenic (1 of 4 stars; one submission).

Submission:

Labcorp Genetics (formerly Invitae), Labcorp
Classification: Pathogenic. Last evaluated: 2025-12-29. Review status: criteria provided, single submitter. Criteria: Invitae Variant Classification Sherloc (09022015). Collection method: clinical testing. Allele origin: germline.
Comment: This sequence change creates a premature translational stop signal (p.Glu583Argfs*4) in the NUP160 gene. It is expected to result in an absent or disrupted protein product. Loss-of-function variants in NUP160 are known to be pathogenic (PMID: 30910934). This variant is not present in population databases (gnomAD no frequency). This variant has not been reported in the literature in individuals affected with NUP160-related conditions. Algorithms developed to predict the effect of sequence changes on RNA splicing suggest that this variant may disrupt the consensus splice site. For these reasons, this variant has been classified as Pathogenic.

Literature cited by the submitters: PubMed 30910934.